The following is an entry in ClinVar:

ClinVar aggregate classification (germline): Uncertain significance (1 of 4 stars; one submission).

Conditions:
Autosomal recessive nonsyndromic hearing loss 7. Also called: DEAFNESS, AUTOSOMAL RECESSIVE 11. Identifiers: Orphanet 90636, MedGen C1832978, MONDO:0010967, OMIM 600974.
Autosomal dominant nonsyndromic hearing loss 36. Identifiers: Orphanet 90635, MedGen C1847626, MONDO:0011708, OMIM 606705.

Submission:

Juno Genomics, Hangzhou Juno Genomics, Inc
Classification: Uncertain significance for Autosomal dominant nonsyndromic hearing loss 36; Autosomal recessive nonsyndromic hearing loss 7. Review status: criteria provided, single submitter. Criteria: ACMG Guidelines, 2015. Collection method: clinical testing. Allele origin: germline.
Comment: Absent from controls (or at extremely low frequency if recessive) in Genome Aggregation Database.

NM_138691.3(TMC1):c.1728C>A (p.Asn576Lys)

Gene: TMC1 (transmembrane channel like 1; plus strand). Cytogenetic location: 9q21.13.
Variant type: single nucleotide variant.
Coding change: c.1728C>A on transcript NM_138691.3 (MANE Select); coding-DNA position 1728, C replaced by A.
Protein change: p.Asn576Lys; replaces asparagine 576 with lysine.
Molecular consequence: missense variant.
Genome position (GRCh38, 1-based): chr9:72,816,175, C>A. VCF-style: chr9-72816175-C-A. GRCh37 (hg19) VCF-style: chr9-75431091-C-A.
Other names: short protein forms N576K.
Identifiers: ClinVar variation 5019892 (VCV005019892.2).
Genomic context (GRCh38, chr9:72,816,175, plus strand): 5'-AATCCAATGAACATTGTGTCTCCTCTAGCCTTCATACACCGAATTCGACATCAGTGGCAA[C>A]GTCCTCGCTCTGATCTTCAACCAAGGCATGATCTGGTAGGCCAGCTGTTGGACAGCTTAT-3'
Protein context (NP_619636.2, residues 566-586): PSYTEFDISG[Asn576Lys]VLALIFNQGM